The following is an entry in ClinVar:

NM_018263.6(ASXL2):c.3590A>G (p.Glu1197Gly)

Gene: ASXL2 (ASXL transcriptional regulator 2; minus strand). Cytogenetic location: 2p23.3.
Variant type: single nucleotide variant.
Coding change: c.3590A>G on transcript NM_018263.6 (MANE Select); coding-DNA position 3590, A replaced by G.
Protein change: p.Glu1197Gly; replaces glutamic acid 1197 with glycine.
Molecular consequence: missense variant.
Genome position (GRCh38, 1-based): chr2:25,742,747, T>C on the plus strand (A>G on the coding strand, the complement: ASXL2 is on the minus strand). VCF-style: chr2-25742747-T-C. GRCh37 (hg19) VCF-style: chr2-25965616-T-C.
Other names: c.3416A>G, p.Glu1139Gly (NM_001369346.1); c.2810A>G, p.Glu937Gly (NM_001369347.1); short protein forms E1197G, E937G, E1139G.
Identifiers: ClinVar variation 2227183 (VCV002227183.2), dbSNP rs1421411264, ClinGen allele CA346078106.

ClinVar aggregate classification (germline): Uncertain significance (1 of 4 stars; one submission).

Conditions:
Inborn genetic diseases. Identifiers: MedGen C0950123, MeSH D030342.

Allele frequency attached by ClinVar (database versions not stated): TOPMed below 0.00001; gnomAD 0.00001; gnomAD exomes 0.00001.

Submission:

Ambry Genetics
Classification: Uncertain significance for Inborn genetic diseases. Last evaluated: 2020-07-15. Review status: criteria provided, single submitter. Criteria: Ambry Variant Classification Scheme 2023. Collection method: clinical testing. Allele origin: germline.
Comment: The alteration results in an amino acid change:_x000D_ _x000D_ The c.3590A>G (p.E1197G) alteration is located in coding exon 13 of the ASXL2 gene. This alteration results from an A to G substitution at nucleotide position 3590, causing the glutamic acid (E) at amino acid position 1197 to be replaced by a glycine (G). The alteration is not observed in population databases:_x000D_ _x000D_ Based on data from the Genome Aggregation Database (gnomAD), the ASXL2 c.3590A>G alteration was not observed, with coverage at this position. The altered amino acid is not conserved throughout evolution:_x000D_ _x000D_ The p.E1197 amino acid is not conserved in available vertebrate species. The alteration is predicted tolerated by in silico modeling:_x000D_ _x000D_ The p.E1197G alteration is predicted to be tolerated by in silico analysis. Based on insufficient or conflicting evidence, the clinical significance of this alteration remains unclear.